The following is an entry in ClinVar:

NM_002317.7(LOX):c.52C>A (p.Leu18Ile)

Genes: LOX (lysyl oxidase; minus strand), SRFBP1 (serum response factor binding protein 1; plus strand). Cytogenetic location: 5q23.1.
Variant type: single nucleotide variant.
Coding change: c.52C>A on transcript NM_002317.7 (MANE Select); coding-DNA position 52, C replaced by A.
Protein change: p.Leu18Ile; replaces leucine 18 with isoleucine.
Molecular consequence: missense variant.
Genome position (GRCh38, 1-based): chr5:122,077,934, G>T on the plus strand (C>A on the coding strand, the complement: LOX is on the minus strand). VCF-style: chr5-122077934-G-T. GRCh37 (hg19) VCF-style: chr5-121413629-G-T.
Other names: c.52C>A (NM_002317.5); short protein forms L18I.
Identifiers: ClinVar variation 3252919 (VCV003252919.3), dbSNP rs759346597.

ClinVar aggregate classification (germline): Uncertain significance. Review status: criteria provided, multiple submitters, no conflicts (2 of 4 stars). 3 submissions from 3 submitters: Uncertain significance (3). Last evaluated 2025-04-12.

Conditions:
Cardiovascular phenotype. Identifiers: MedGen CN230736.

Allele frequency attached by ClinVar (database versions not stated): TOPMed 0.00002.
gnomAD v4.1: 5 of 1,501,020 alleles (0.00033%); highest among the groups gnomAD compares: East Asian, 0.0025%; no homozygotes.

Submissions (3):

Ambry Genetics
Classification: Uncertain significance for Cardiovascular phenotype. Last evaluated: 2025-04-12. Review status: criteria provided, single submitter. Criteria: Ambry Variant Classification Scheme 2023. Collection method: clinical testing. Allele origin: germline.
Comment: The p.L18I variant (also known as c.52C>A), located in coding exon 1 of the LOX gene, results from a C to A substitution at nucleotide position 52. The leucine at codon 18 is replaced by isoleucine, an amino acid with highly similar properties. This amino acid position is conserved. In addition, this alteration is predicted to be tolerated by in silico analysis. Based on the available evidence, the clinical significance of this variant remains unclear.

GeneDx
Classification: Uncertain significance. Last evaluated: 2023-09-29. Review status: criteria provided, single submitter. Criteria: GeneDx Variant Classification Process June 2021. Collection method: clinical testing. Allele origin: germline. Affected: yes.
Comment: Not observed at significant frequency in large population cohorts (gnomAD); In silico analysis supports that this missense variant does not alter protein structure/function; Has not been previously published as pathogenic or benign to our knowledge

Blueprint Genetics
Classification: Uncertain significance. Last evaluated: 2021-06-03. Review status: criteria provided, single submitter. Criteria: ACMG Guidelines, 2015. Collection method: clinical testing. Allele origin: germline.